The following is an entry in ClinVar:

ClinVar aggregate classification (germline): Pathogenic (1 of 4 stars; one submission).

Conditions:
Cohen syndrome (COH1). Also called: PEPPER SYNDROME; Cutis verticis gyrata, retinitis pigmentosa, and sensorineural deafness. Identifiers: Orphanet 193, MedGen C0265223, MONDO:0008999, OMIM 216550.

gnomAD v4.1: 1 of 1,612,352 alleles (0.000062%); highest among the groups gnomAD compares: Non-Finnish European, 0.000085%; no homozygotes.

Submission:

3billion
Classification: Pathogenic for Cohen syndrome. Last evaluated: 2025-02-21. Review status: criteria provided, single submitter. Criteria: ACMG Guidelines, 2015. Collection method: clinical testing. Allele origin: germline. Affected: yes.
Comment: The variant is observed at an extremely low frequency in the gnomAD v4.1.0 dataset (total allele frequency: <0.001%). Predicted Consequence/Location: Canonical splice site: predicted to alter splicing and result in a loss or disruption of normal protein function. Multiple pathogenic loss-of-function variants are reported downstream of the variant. In silico tools predict the variant to alter splicing and produce an abnormal transcript [SpliceAI: 0.96 (spliceogenicity >=0.2, non-spliceogenicity <0.1)]. The variant has been reported as of uncertain significance (PMID: 31980526). Therefore, this variant is classified as Pathogenic according to the recommendation of ACMG/AMP guideline.

NM_152564.5(VPS13B):c.3210+1G>A

Gene: VPS13B (vacuolar protein sorting 13 homolog B; plus strand). Cytogenetic location: 8q22.2.
Variant type: single nucleotide variant.
Coding change: c.3210+1G>A on transcript NM_152564.5 (MANE Select); the canonical splice donor site of the intron after coding-DNA position 3210, G replaced by A.
Molecular consequence: splice donor variant.
Genome position (GRCh38, 1-based): chr8:99,431,665, G>A. VCF-style: chr8-99431665-G-A. GRCh37 (hg19) VCF-style: chr8-100443893-G-A.
Other names: c.3210+1G>A (NM_017890.5).
Identifiers: ClinVar variation 4292463 (VCV004292463.1).